The following is an entry in ClinVar:

ClinVar aggregate classification (germline): Uncertain significance. Review status: criteria provided, single submitter (1 of 4 stars). 2 submissions from 2 submitters: Uncertain significance (1). 1 of the submissions does not count toward it. Last evaluated 2023-05-04.

Conditions:
Atrial fibrillation. Identifiers: MedGen C0004238, MONDO:0004981, HP:0005110.
Long QT syndrome (LQTS). Identifiers: MedGen C0023976, MeSH D008133, MONDO:0002442. Disease mechanism: loss of function. Inheritance: Various modes of inheritance.

Allele frequency attached by ClinVar (database versions not stated): gnomAD exomes below 0.00001.

Submissions (2):

All of Us Research Program, National Institutes of Health
Classification: Uncertain significance for Long QT syndrome. Last evaluated: 2023-05-04. Review status: criteria provided, single submitter. Criteria: ACMG Guidelines, 2015. Collection method: clinical testing. Allele origin: germline. Inheritance: Autosomal dominant inheritance. Observed: 1 variant allele, 1 heterozygote.
Comment: This missense variant replaces glutamine with arginine at codon 147 of the KCNQ1 protein. Computational prediction suggests that this variant may have deleterious impact on protein structure and function (internally defined REVEL score threshold >= 0.7, PMID: 27666373). A functional study has shown that this variant causes a decrease in channel current when co-expressed with KCNE1, while upon co-expressed with KCNE2 it causes an increase in the current amplitude in heterologous expression systems (PMID: 17997361). This variant has been reported in an individual affected with atrial fibrillation and prolonged QT interval (PMID: 17997361). This variant has been identified in 1/251418 chromosomes in the general population by the Genome Aggregation Database (gnomAD). The available evidence is insufficient to determine the role of this variant in disease conclusively. Therefore, this variant is classified as a Variant of Uncertain Significance.

This study involves interpretation of variants in research participants for the purpose of population health screening. Participant phenotype was not available at the time of variant classification. Additional details can be found in publication PMID: 35346344, PMCID: PMC8962531

Cardiovascular Biomedical Research Unit, Royal Brompton & Harefield NHS Foundation Trust
No classification provided. Condition: Atrial fibrillation. Review status: no classification provided. Collection method: literature only. Allele origin: germline. Not counted in ClinVar's aggregate classification.
Comment: This variant has been reported as associated with Atrial fibrillation in the following publications (PMID:17997361). This is a literature report, and does not necessarily reflect the clinical interpretation of the Imperial College / Royal Brompton Cardiovascular Genetics laboratory.

Literature cited by the submitters: PubMed 17997361 (cited by All of Us Research Program, National Institutes of Health and Cardiovascular Biomedical Research Unit, Royal Brompton & Harefield NHS Foundation Trust); PubMed 22581653 (cited by Cardiovascular Biomedical Research Unit, Royal Brompton & Harefield NHS Foundation Trust).

NM_000218.3(KCNQ1):c.440A>G (p.Gln147Arg)

Gene: KCNQ1 (potassium voltage-gated channel subfamily Q member 1; plus strand). Cytogenetic location: 11p15.5.
Variant type: single nucleotide variant.
Coding change: c.440A>G on transcript NM_000218.3 (MANE Select); coding-DNA position 440, A replaced by G.
Protein change: p.Gln147Arg; replaces glutamine 147 with arginine.
Molecular consequence: missense variant.
Genome position (GRCh38, 1-based): chr11:2,527,981, A>G. VCF-style: chr11-2527981-A-G. GRCh37 (hg19) VCF-style: chr11-2549211-A-G.
Other names: c.440A>G (LRG_287t1); c.440A>G, p.Gln147Arg (NM_001406836.1, NM_001406838.1); c.170A>G, p.Gln57Arg (NM_001406837.1); c.59A>G, p.Gln20Arg (NM_181798.2); short protein forms Q147R, Q20R, Q57R.
Identifiers: ClinVar variation 67074 (VCV000067074.4), dbSNP rs199472689, ClinGen allele CA007099.